The following is an entry in ClinVar:

NM_001854.4(COL11A1):c.560C>A (p.Thr187Lys)

Gene: COL11A1 (collagen type XI alpha 1 chain; minus strand). Cytogenetic location: 1p21.1.
Variant type: single nucleotide variant.
Coding change: c.560C>A on transcript NM_001854.4 (MANE Select); coding-DNA position 560, C replaced by A.
Protein change: p.Thr187Lys; replaces threonine 187 with lysine.
Molecular consequence: missense variant. On other transcripts: non-coding transcript variant (1).
Genome position (GRCh38, 1-based): chr1:103,074,709, G>T on the plus strand (C>A on the coding strand, the complement: COL11A1 is on the minus strand). VCF-style: chr1-103074709-G-T. GRCh37 (hg19) VCF-style: chr1-103540265-G-T.
Other names: c.560C>A, p.Thr187Lys (NM_001190709.2, NM_080629.3, NM_080630.4); short protein forms T187K.
Identifiers: ClinVar variation 1193430 (VCV001193430.14), dbSNP rs184606223, ClinGen allele CA975412.

ClinVar aggregate classification (germline): Conflicting classifications of pathogenicity. Review status: criteria provided, conflicting classifications (1 of 4 stars). 4 submissions from 4 submitters: Uncertain significance (3); Benign (1). Last evaluated 2026-04-07.

gnomAD v4.1: 28 of 1,613,172 alleles (0.0017%); highest among the groups gnomAD compares: Admixed American, 0.018%; no homozygotes.

Submissions (4):

Women's Health and Genetics/Laboratory Corporation of America, LabCorp
Classification: Uncertain significance. Last evaluated: 2026-04-07. Review status: criteria provided, single submitter. Criteria: LabCorp Variant Classification Summary - May 2015. Collection method: clinical testing. Allele origin: germline.
Comment: Variant summary: COL11A1 c.560C>A (p.Thr187Lys) results in a non-conservative amino acid change in the encoded protein sequence. Algorithms developed to predict the effect of missense changes on protein structure and function are either unavailable or do not agree on the potential impact of this missense change. The variant allele was found at a frequency of 4.8e-05 in 251014 control chromosomes. This frequency is not significantly higher than estimated for disease-causing variants in COL11A1, allowing no conclusion about variant significance. To our knowledge, no occurrence of c.560C>A in individuals affected with COL11A1-related conditions and no experimental evidence demonstrating its impact on protein function have been reported. ClinVar contains an entry for this variant (Variation ID: 1193430). Based on the evidence outlined above, the variant was classified as uncertain significance.

Labcorp Genetics (formerly Invitae), Labcorp
Classification: Benign. Last evaluated: 2026-01-27. Review status: criteria provided, single submitter. Criteria: Invitae Variant Classification Sherloc (09022015). Collection method: clinical testing. Allele origin: germline.

GeneDx
Classification: Uncertain significance. Last evaluated: 2024-01-04. Review status: criteria provided, single submitter. Criteria: GeneDx Variant Classification Process June 2021. Collection method: clinical testing. Allele origin: germline. Affected: yes.
Comment: In silico analysis, which includes protein predictors and evolutionary conservation, supports a deleterious effect; Not located in the triple helical region, where the majority of pathogenic missense variants occur (HGMD); Has not been previously published as pathogenic or benign to our knowledge

Revvity Omics, Revvity
Classification: Uncertain significance. Last evaluated: 2022-04-08. Review status: criteria provided, single submitter. Criteria: ACMG Guidelines, 2015. Collection method: clinical testing. Allele origin: germline.